The following is an entry in ClinVar:

NC_012920.1(MT-CO1):m.6844T>C

Gene: MT-CO1 (mitochondrially encoded cytochrome c oxidase I; plus strand).
Variant type: single nucleotide variant.
Genome position: chrM-6844-T-C.
Identifiers: ClinVar variation 692674 (VCV000692674.1), dbSNP rs1603220647, ClinGen allele CA414786739.

ClinVar aggregate classification (germline): Uncertain significance (1 of 4 stars; one submission).

Conditions:
Leigh syndrome (NULS). Also called: Leigh's necrotizing encephalopathy; Leigh's disease; Leigh Syndrome (mtDNA deletion); Leigh Disease; Subacute necrotizing encephalopathy; Necrotizing encephalopathy infantile subacute of Leigh. Identifiers: Orphanet 506, MedGen C2931891, MONDO:0009723, OMIM 256000.

Submission:

Wong Mito Lab, Molecular and Human Genetics, Baylor College of Medicine
Classification: Uncertain significance for Leigh syndrome. Last evaluated: 2019-10-17. Review status: criteria provided, single submitter. Criteria: Modified ACMG Guidelines (Unpublished). Collection method: clinical testing. Allele origin: germline.
Comment: The NC_012920.1:m.6844T>C (YP_003024028.1:p.Ile314Thr) variant in MTCO1 gene is interpretated to be a Uncertain Significance variant based on the modified ACMG guidelines (unpublished). This variant meets the following evidence codes: PP3, PP7